The following is an entry in ClinVar:

ClinVar aggregate classification (germline): Uncertain significance (1 of 4 stars; one submission).

Submission:

Ambry Genetics
Classification: Uncertain significance. Last evaluated: 2025-04-24. Review status: criteria provided, single submitter. Criteria: Ambry Variant Classification Scheme 2023. Collection method: clinical testing. Allele origin: germline.
Comment: The p.V2107F variant (also known as c.6319G>T), located in coding exon 27 of the WNK2 gene, results from a G to T substitution at nucleotide position 6319. The valine at codon 2107 is replaced by phenylalanine, an amino acid with highly similar properties. This amino acid position is conserved. In addition, the in silico prediction for this alteration is inconclusive. Based on the available evidence, the clinical significance of this variant remains unclear.

NM_006648.4(WNK2):c.6319G>T (p.Val2107Phe)

Gene: WNK2 (WNK lysine deficient protein kinase 2; plus strand). Cytogenetic location: 9q22.31.
Variant type: single nucleotide variant.
Coding change: c.6319G>T on transcript NM_006648.4 (MANE Select); coding-DNA position 6319, G replaced by T.
Protein change: p.Val2107Phe; replaces valine 2107 with phenylalanine.
Molecular consequence: missense variant.
Genome position (GRCh38, 1-based): chr9:93,308,387, G>T. VCF-style: chr9-93308387-G-T. GRCh37 (hg19) VCF-style: chr9-96070669-G-T.
Other names: c.6430G>T, p.Val2144Phe (NM_001282394.3); short protein forms V2144F, V2107F.
Identifiers: ClinVar variation 3981940 (VCV003981940.1).